The following is an entry in ClinVar:

ClinVar aggregate classification (germline): Uncertain significance (1 of 4 stars; one submission).

Conditions:
Dyskeratosis congenita, autosomal dominant 2. Identifiers: MedGen C3151443, MONDO:0013521, OMIM 613989.
Idiopathic Pulmonary Fibrosis. Also called: Idiopathic fibrosing alveolitis, chronic form; idiopathic fibrosing alveolitis. Identifiers: Orphanet 2032, MedGen C1800706, MeSH D054990, MONDO:0800504.

Submission:

Labcorp Genetics (formerly Invitae), Labcorp
Classification: Uncertain significance for Dyskeratosis congenita, autosomal dominant 2; Idiopathic Pulmonary Fibrosis. Last evaluated: 2023-01-16. Review status: criteria provided, single submitter. Criteria: Invitae Variant Classification Sherloc (09022015). Collection method: clinical testing. Allele origin: germline.
Comment: In summary, the available evidence is currently insufficient to determine the role of this variant in disease. Therefore, it has been classified as a Variant of Uncertain Significance. Algorithms developed to predict the effect of missense changes on protein structure and function output the following: SIFT: "Tolerated"; PolyPhen-2: "Benign"; Align-GVGD: "Class C0". The proline amino acid residue is found in multiple mammalian species, which suggests that this missense change does not adversely affect protein function. ClinVar contains an entry for this variant (Variation ID: 1466975). This variant has not been reported in the literature in individuals affected with TERT-related conditions. This variant is not present in population databases (gnomAD no frequency). This sequence change replaces alanine, which is neutral and non-polar, with proline, which is neutral and non-polar, at codon 801 of the TERT protein (p.Ala801Pro).

NM_198253.3(TERT):c.2401G>C (p.Ala801Pro)

Gene: TERT (telomerase reverse transcriptase; minus strand). Cytogenetic location: 5p15.33.
Variant type: single nucleotide variant.
Coding change: c.2401G>C on transcript NM_198253.3 (MANE Select); coding-DNA position 2401, G replaced by C.
Protein change: p.Ala801Pro; replaces alanine 801 with proline.
Molecular consequence: missense variant.
Genome position (GRCh38, 1-based): chr5:1,271,186, C>G on the plus strand (G>C on the coding strand, the complement: TERT is on the minus strand). VCF-style: chr5-1271186-C-G. GRCh37 (hg19) VCF-style: chr5-1271301-C-G.
Other names: c.2401G>C, p.Ala801Pro (NM_001193376.3); short protein forms A801P.
Identifiers: ClinVar variation 1466975 (VCV001466975.8), dbSNP rs1749006856, ClinGen allele CA359075824.